The following is an entry in ClinVar:

ClinVar aggregate classification (germline): Uncertain significance (1 of 4 stars; one submission).

Conditions:
Long QT syndrome (LQTS). Identifiers: MedGen C0023976, MeSH D008133, MONDO:0002442. Disease mechanism: loss of function. Inheritance: Various modes of inheritance.

Submission:

Labcorp Genetics (formerly Invitae), Labcorp
Classification: Uncertain significance for Long QT syndrome. Last evaluated: 2016-08-24. Review status: criteria provided, single submitter. Criteria: Invitae Variant Classification Sherloc (09022015). Collection method: clinical testing. Allele origin: germline.
Comment: This sequence change inserts 3 nucleotides in exon 3 of the KCNQ1 mRNA (c.493_495dupGTG). This leads to the insertion of 1 amino acid residue in the KCNQ1 protein (p.Val165dup) but otherwise preserves the integrity of the reading frame. This variant identified in the KCNQ1 gene is located in the transmembrane S2 region of the resulting protein (PMID: 19841300, 25348405), but it is unclear how this variant impacts the function of this protein. In summary, this variant is a novel in-frame duplication with uncertain impact on protein function. It has been classified as a Variant of Uncertain Significance. This variant is not present in population databases (ExAC no frequency) and has not been reported in the literature in individuals with a KCNQ1-related disease.

Literature cited by the submitters: PubMed 19841300; PubMed 25348405.

NM_000218.3(KCNQ1):c.490GTG[3] (p.Val165_Phe166insVal)

Gene: KCNQ1 (potassium voltage-gated channel subfamily Q member 1; plus strand). Cytogenetic location: 11p15.5.
Variant type: Microsatellite.
Coding change: c.490GTG[3] on transcript NM_000218.3 (MANE Select); three copies in a row of the 3-base unit GTG starting at c.490; the reference has two copies in a row; one copy, 3 bases duplicated.
Protein change: p.Val165_Phe166insVal.
Molecular consequence: inframe insertion. On other transcripts: inframe indel (4).
Genome position (GRCh38, 1-based): chr11:2,570,643-2,570,645, GTG duplicated; duplicating any 3 consecutive bases within chr11:2,570,638-2,570,645 gives the same sequence; the position shown is the placement nearest the transcript's 3' end. VCF-style (leftmost placement, unchanged base first): chr11-2570637-C-CTGG. GRCh37 (hg19) VCF-style: chr11-2591867-C-CTGG.
Other names: c.493_495dupGTG (NM_000218.2); c.490_492GTG[3], p.Val165_Phe166insVal (NM_001406836.1); c.220_222GTG[3], p.Val75_Phe76insVal (NM_001406837.1); c.109_111GTG[3], p.Val38_Phe39insVal (NM_181798.2).
Identifiers: ClinVar variation 405259 (VCV000405259.10), dbSNP rs1554892886, ClinGen allele CA16613558.
Genomic context (GRCh38, chr11:2,570,637, plus strand): 5'-CCACTCAAGGCCGAGCCTGCCTGCAGTGAGCGTCCCACTCTGTCCCTGCAGGAGATCGTG[C>CTGG]TGGTGGTGTTCTTCGGGACGGAGTACGTGGTCCGCCTCTGGTCCGCCGGCTGCCGCAGCA-3'